The following is an entry in ClinVar:

NM_002739.5(PRKCG):c.391T>C (p.Cys131Arg)

Gene: PRKCG (protein kinase C gamma; plus strand). Cytogenetic location: 19q13.42.
Variant type: single nucleotide variant.
Coding change: c.391T>C on transcript NM_002739.5 (MANE Select); coding-DNA position 391, T replaced by C.
Protein change: p.Cys131Arg; replaces cysteine 131 with arginine.
Molecular consequence: missense variant.
Genome position (GRCh38, 1-based): chr19:53,889,743, T>C. VCF-style: chr19-53889743-T-C. GRCh37 (hg19) VCF-style: chr19-54392997-T-C.
Other names: c.391t>c; c.391T>C, p.Cys131Arg (NM_001316329.2); short protein forms C131R.
Identifiers: ClinVar variation 42166 (VCV000042166.5), dbSNP rs386134166, ClinGen allele CA344633.

ClinVar aggregate classification (germline): Likely pathogenic. Review status: criteria provided, single submitter (1 of 4 stars). 2 submissions from 2 submitters: Likely pathogenic (1). 1 of the submissions does not count toward it. Last evaluated 2024-12-12.

Conditions:
Spinocerebellar ataxia type 14 (SCA14). Identifiers: Orphanet 98763, MedGen C1854369, MONDO:0011540, OMIM 605361.

Submissions (2):

Institute of Human Genetics, University of Leipzig Medical Center
Classification: Likely pathogenic for Spinocerebellar ataxia type 14. Last evaluated: 2024-12-12. Review status: criteria provided, single submitter. Criteria: ACMG Guidelines, 2015. Collection method: clinical testing. Allele origin: unknown. Inheritance: Autosomal dominant inheritance. Affected: yes.
Comment: Criteria applied: PS4_MOD,PM2,PM5,PM1_SUP,PP2,PP3

GeneReviews
No classification provided. Condition: Spinocerebellar ataxia type 14. Review status: no classification provided. Collection method: literature only. Allele origin: germline. Not counted in ClinVar's aggregate classification.

Literature cited by the submitters: NCBI Bookshelf NBK1399 (cited by GeneReviews); PubMed 20301573 (cited by GeneReviews).